The following is an entry in ClinVar:

ClinVar aggregate classification (germline): Uncertain significance (1 of 4 stars; one submission).

Submission:

Women's Health and Genetics/Laboratory Corporation of America, LabCorp
Classification: Uncertain significance. Last evaluated: 2024-08-30. Review status: criteria provided, single submitter. Criteria: LabCorp Variant Classification Summary - May 2015. Collection method: clinical testing. Allele origin: germline.
Comment: Variant summary: CRB1 c.3394T>C (p.Ser1132Pro) results in a non-conservative amino acid change located in the Laminin G domain (IPR001791) of the encoded protein sequence. Four of five in-silico tools predict a benign effect of the variant on protein function. The variant was absent in 250656 control chromosomes. The available data on variant occurrences in the general population are insufficient to allow any conclusion about variant significance. c.3394T>C has been reported in the literature in the heterozygous state in an affected individual from a cohort of patients with Leber's congenital amaurosis and early childhood-onset retinitis pigmentosa (Walia_2010). This report does not provide unequivocal conclusions about association of the variant with Retinal Dystrophy. To our knowledge, no experimental evidence demonstrating an impact on protein function has been reported. The following publication has been ascertained in the context of this evaluation (PMID: 20079931). No submitters have cited clinical-significance assessments for this variant to ClinVar. Based on the evidence outlined above, the variant was classified as uncertain significance.

Literature cited by the submitters: PubMed 20079931.

NM_201253.3(CRB1):c.3394T>C (p.Ser1132Pro)

Gene: CRB1 (crumbs cell polarity complex component 1; plus strand). Cytogenetic location: 1q31.3.
Variant type: single nucleotide variant.
Coding change: c.3394T>C on transcript NM_201253.3 (MANE Select); coding-DNA position 3394, T replaced by C.
Protein change: p.Ser1132Pro; replaces serine 1132 with proline.
Molecular consequence: missense variant. On other transcripts: non-coding transcript variant (2), intron variant (1).
Genome position (GRCh38, 1-based): chr1:197,435,257, T>C. VCF-style: chr1-197435257-T-C. GRCh37 (hg19) VCF-style: chr1-197404387-T-C.
Other names: c.3058T>C, p.Ser1020Pro (NM_001193640.2); c.3322T>C, p.Ser1108Pro (NM_001257965.2); c.2129-343T>C (NM_001257966.2); short protein forms S1020P, S1108P, S1132P.
Identifiers: ClinVar variation 3366777 (VCV003366777.1).
Genomic context (GRCh38, chr1:197,435,257, plus strand): 5'-AATGTTCATGGTTTCATTAATAAACCTCAGGAAGAGCAATTTCTCAAAATCTCTACCAAT[T>C]CAGTGGTCACTGGCTGTTTGCAGTTAAATGTCTGCAACTCCAACCCCTGTTTGCATGGAG-3'
Protein context (NP_957705.1, residues 1122-1142): EEQFLKISTN[Ser1132Pro]VVTGCLQLNV